The following is an entry in ClinVar:

NM_181882.3(PRX):c.1279A>C (p.Ile427Leu)

Gene: PRX (periaxin; minus strand). Cytogenetic location: 19q13.2.
Variant type: single nucleotide variant.
Coding change: c.1279A>C on transcript NM_181882.3 (MANE Select); coding-DNA position 1279, A replaced by C.
Protein change: p.Ile427Leu; replaces isoleucine 427 with leucine.
Molecular consequence: missense variant. On other transcripts: 3 prime UTR variant (1).
Genome position (GRCh38, 1-based): chr19:40,397,073, T>G on the plus strand (A>C on the coding strand, the complement: PRX is on the minus strand). VCF-style: chr19-40397073-T-G. GRCh37 (hg19) VCF-style: chr19-40902980-T-G.
Other names: c.1564A>C, p.Ile522Leu (NM_001411127.1); c.*1484A>C (NM_020956.2); short protein forms I427L, I522L.
Identifiers: ClinVar variation 2629168 (VCV002629168.1), dbSNP rs2079446656, ClinGen allele CA405898716.
Genomic context (GRCh38, chr19:40,397,073, plus strand): 5'-CCTTGGGGAGCTTCACTTCAGGTCCCTTGGGCACCTTGACCTCGGGCCCTGACACTCCGA[T>G]GCCAAGGGAGGGCATCTTGATGGTGGGCAGCTTCAGCTTGCTCTCTACAACTTCAGGAGC-3'
Protein context (NP_870998.2, residues 417-437): LPTIKMPSLG[Ile427Leu]GVSGPEVKVP

ClinVar aggregate classification (germline): Uncertain significance (1 of 4 stars; one submission).

Conditions:
PRX-related disorder. Also called: PRX-Related Disorders; PRX-related condition.

Allele frequency attached by ClinVar (database versions not stated): gnomAD exomes below 0.00001; TOPMed below 0.00001.
gnomAD v4.1: 1 of 1,614,098 alleles (0.000062%); highest among the groups gnomAD compares: Non-Finnish European, 0.000085%; no homozygotes.

Submission:

PreventionGenetics, part of Exact Sciences
Classification: Uncertain significance for PRX-related condition. Last evaluated: 2023-01-10. Review status: criteria provided, single submitter. Criteria: ACMG Guidelines, 2015. Collection method: clinical testing. Allele origin: germline.
Comment: The PRX c.1279A>C variant is predicted to result in the amino acid substitution p.Ile427Leu. To our knowledge, this variant has not been reported in the literature or in a large population database, indicating this variant is rare. At this time, the clinical significance of this variant is uncertain due to the absence of conclusive functional and genetic evidence.